The following is an entry in ClinVar:

NM_172364.5(CACNA2D4):c.1944G>T (p.Leu648Phe)

Gene: CACNA2D4 (calcium voltage-gated channel auxiliary subunit alpha2delta 4; minus strand). Cytogenetic location: 12p13.33.
Variant type: single nucleotide variant.
Coding change: c.1944G>T on transcript NM_172364.5 (MANE Select); coding-DNA position 1944, G replaced by T.
Protein change: p.Leu648Phe; replaces leucine 648 with phenylalanine.
Molecular consequence: missense variant.
Genome position (GRCh38, 1-based): chr12:1,858,641, C>A on the plus strand (G>T on the coding strand, the complement: CACNA2D4 is on the minus strand). VCF-style: chr12-1858641-C-A. GRCh37 (hg19) VCF-style: chr12-1967807-C-A.
Other names: short protein forms L648F.
Identifiers: ClinVar variation 1518189 (VCV001518189.6), dbSNP rs1865454657, ClinGen allele CA383349799.

ClinVar aggregate classification (germline): Uncertain significance (1 of 4 stars; one submission).

gnomAD v4.1: 1 of 1,600,148 alleles (0.000062%); highest among the groups gnomAD compares: Non-Finnish European, 0.000085%; no homozygotes.

Submission:

Labcorp Genetics (formerly Invitae), Labcorp
Classification: Uncertain significance. Last evaluated: 2022-03-23. Review status: criteria provided, single submitter. Criteria: Invitae Variant Classification Sherloc (09022015). Collection method: clinical testing. Allele origin: germline.
Comment: This sequence change replaces leucine, which is neutral and non-polar, with phenylalanine, which is neutral and non-polar, at codon 648 of the CACNA2D4 protein (p.Leu648Phe). This variant is not present in population databases (gnomAD no frequency). This variant has not been reported in the literature in individuals affected with CACNA2D4-related conditions. Algorithms developed to predict the effect of missense changes on protein structure and function (SIFT, PolyPhen-2, Align-GVGD) all suggest that this variant is likely to be tolerated. In summary, the available evidence is currently insufficient to determine the role of this variant in disease. Therefore, it has been classified as a Variant of Uncertain Significance.